The following is an entry in ClinVar:

NM_001853.4(COL9A3):c.1369-16A>G

Genes: COL9A3 (collagen type IX alpha 3 chain; plus strand), LOC126863084 (MED14-independent group 3 enhancer GRCh37_chr20:61467141-61468340; plus strand). Cytogenetic location: 20q13.33.
Variant type: single nucleotide variant.
Coding change: c.1369-16A>G on transcript NM_001853.4 (MANE Select); 16 bases into the intron before coding-DNA position 1369, A replaced by G.
Molecular consequence: intron variant.
Genome position (GRCh38, 1-based): chr20:62,835,905, A>G. VCF-style: chr20-62835905-A-G. GRCh37 (hg19) VCF-style: chr20-61467257-A-G.
Identifiers: ClinVar variation 1363612 (VCV001363612.9), dbSNP rs745547693, ClinGen allele CA9949931.

ClinVar aggregate classification (germline): Conflicting classifications of pathogenicity. Review status: criteria provided, conflicting classifications (1 of 4 stars). 4 submissions from 4 submitters: Uncertain significance (1); Likely benign (3). Last evaluated 2025-10-23.

Allele frequency attached by ClinVar (database versions not stated): gnomAD 0.00001; ExAC 0.00002; gnomAD exomes 0.00002; TOPMed 0.00002.
gnomAD v4.1: 25 of 1,614,088 alleles (0.0015%); highest among the groups gnomAD compares: Middle Eastern, 0.033%; no homozygotes.

Submissions (4):

Women's Health and Genetics/Laboratory Corporation of America, LabCorp
Classification: Likely benign. Last evaluated: 2025-10-23. Review status: criteria provided, single submitter. Criteria: LabCorp Variant Classification Summary - May 2015. Collection method: clinical testing. Allele origin: germline.
Comment: Variant summary: COL9A3 c.1369-16A>G alters a non-conserved nucleotide located at a position not widely known to affect splicing. Consensus agreement among computation tools predict no significant impact on normal splicing. However, these predictions have yet to be confirmed by functional studies. The variant allele was found at a frequency of 1.6e-05 in 251414 control chromosomes. The available data on variant occurrences in the general population are insufficient to allow any conclusion about variant significance. To our knowledge, no occurrence of c.1369-16A>G in individuals affected with COL9A3-related conditions and no experimental evidence demonstrating its impact on protein function have been reported. ClinVar contains an entry for this variant (Variation ID: 1363612). Based on the evidence outlined above, the variant was classified as likely benign.

Labcorp Genetics (formerly Invitae), Labcorp
Classification: Likely benign. Last evaluated: 2025-09-02. Review status: criteria provided, single submitter. Criteria: Invitae Variant Classification Sherloc (09022015). Collection method: clinical testing. Allele origin: germline.

Blueprint Genetics
Classification: Likely benign. Last evaluated: 2023-12-29. Review status: criteria provided, single submitter. Criteria: ACMG Guidelines, 2015. Collection method: clinical testing. Allele origin: germline.

Breakthrough Genomics
Classification: Uncertain significance. Review status: criteria provided, single submitter. Criteria: ACMG Guidelines, 2015. Collection method: not provided. Allele origin: germline. Inheritance: Autosomal dominant inheritance. Affected: yes.